The following is an entry in ClinVar:

NM_022765.4(MICAL1):c.2750C>T (p.Ala917Val)

Gene: MICAL1 (microtubule associated monooxygenase, calponin and LIM domain containing 1; minus strand). Cytogenetic location: 6q21.
Variant type: single nucleotide variant.
Coding change: c.2750C>T on transcript NM_022765.4 (MANE Select); coding-DNA position 2750, C replaced by T.
Protein change: p.Ala917Val; replaces alanine 917 with valine.
Molecular consequence: missense variant.
Genome position (GRCh38, 1-based): chr6:109,445,453, G>A on the plus strand (C>T on the coding strand, the complement: MICAL1 is on the minus strand). VCF-style: chr6-109445453-G-A. GRCh37 (hg19) VCF-style: chr6-109766656-G-A.
Other names: c.2492C>T, p.Ala831Val (NM_001159291.2); c.2807C>T, p.Ala936Val (NM_001286613.2); short protein forms A831V, A917V, A936V.
Identifiers: ClinVar variation 1679587 (VCV001679587.4), dbSNP rs770768657, ClinGen allele CA3952777.
Genomic context (GRCh38, chr6:109,445,453, plus strand): 5'-TTTTGGGAACCCCCGGGCTTCACCTGGGCCTTGCAGAACCTCTTCATCTCCTCCTCCTTC[G>A]CACGGCGCAGCAGAGTCCGACGCCATGTTGGGTAGTTATTCATGGTGCCTGAGGTCTTGG-3'
Protein context (NP_073602.3, residues 907-927): PTWRRTLLRR[Ala917Val]KEEEMKRFCK

ClinVar aggregate classification (germline): Uncertain significance. Review status: criteria provided, multiple submitters, no conflicts (2 of 4 stars). 2 submissions from 2 submitters: Uncertain significance (2). Last evaluated 2025-01-27.

Conditions:
MICAL1-related Lateral temporal epilepsy.

Allele frequency attached by ClinVar (database versions not stated): ExAC 0.00001; gnomAD exomes below 0.00001 and 0.00001; gnomAD 0.00001 and 0.00002; TOPMed 0.00002.

Submissions (2):

Labcorp Genetics (formerly Invitae), Labcorp
Classification: Uncertain significance. Last evaluated: 2025-01-27. Review status: criteria provided, single submitter. Criteria: Invitae Variant Classification Sherloc (09022015). Collection method: clinical testing. Allele origin: germline.
Comment: This sequence change replaces alanine, which is neutral and non-polar, with valine, which is neutral and non-polar, at codon 936 of the MICAL1 protein (p.Ala936Val). This variant is present in population databases (rs770768657, gnomAD 0.006%). This variant has not been reported in the literature in individuals affected with MICAL1-related conditions. ClinVar contains an entry for this variant (Variation ID: 1679587). An algorithm developed to predict the effect of missense changes on protein structure and function outputs the following: PolyPhen-2: "Benign". The valine amino acid residue is found in multiple mammalian species, which suggests that this missense change does not adversely affect protein function. In summary, the available evidence is currently insufficient to determine the role of this variant in disease. Therefore, it has been classified as a Variant of Uncertain Significance.

New York Genome Center
Classification: Uncertain significance for MICAL1-related Lateral temporal epilepsy. Last evaluated: 2021-05-07. Review status: criteria provided, single submitter. Criteria: NYGC Assertion Criteria 2020. Collection method: clinical testing. Allele origin: inherited. Observed: 1 heterozygote. Study: CSER-NYCKidSeq.